The following is an entry in ClinVar:

NM_002168.4(IDH2):c.854A>G (p.Tyr285Cys)

Gene: IDH2 (isocitrate dehydrogenase (NADP(+)) 2; minus strand). Cytogenetic location: 15q26.1.
Variant type: single nucleotide variant.
Coding change: c.854A>G on transcript NM_002168.4 (MANE Select); coding-DNA position 854, A replaced by G.
Protein change: p.Tyr285Cys; replaces tyrosine 285 with cysteine.
Molecular consequence: missense variant.
Genome position (GRCh38, 1-based): chr15:90,087,225, T>C on the plus strand (A>G on the coding strand, the complement: IDH2 is on the minus strand). VCF-style: chr15-90087225-T-C. GRCh37 (hg19) VCF-style: chr15-90630457-T-C.
Other names: c.698A>G, p.Tyr233Cys (NM_001289910.1); c.464A>G, p.Tyr155Cys (NM_001290114.2); short protein forms Y155C, Y233C, Y285C.
Identifiers: ClinVar variation 2624340 (VCV002624340.3), dbSNP rs754447918, ClinGen allele CA7733033.
Genomic context (GRCh38, chr15:90,087,225, plus strand): 5'-ACAAAGCCACCCGAAGACTTGAGGACCTGAGCCACCATGTCATCAATGAGCCGGTGCTCA[T>C]ACCAGATCTTATTCTTGTCGAAGTCGGTCTTATAGTGCCTGGGAGTAAAAAGGTCTGTTA-3'
Protein context (NP_002159.2, residues 275-295): KTDFDKNKIW[Tyr285Cys]EHRLIDDMVA

ClinVar aggregate classification (germline): Uncertain significance (1 of 4 stars; one submission).

Conditions:
Inborn genetic diseases. Identifiers: MedGen C0950123, MeSH D030342.

Allele frequency attached by ClinVar (database versions not stated): TOPMed below 0.00001; ExAC 0.00001.

Submission:

Ambry Genetics
Classification: Uncertain significance for Inborn genetic diseases. Last evaluated: 2026-08-23. Review status: criteria provided, single submitter. Criteria: Ambry Variant Classification Scheme 2023. Collection method: clinical testing. Allele origin: germline.
Comment: The c.854A>G (p.Y285C) alteration is located in exon 7 (coding exon 7) of the IDH2 gene. This alteration results from a A to G substitution at nucleotide position 854, causing the tyrosine (Y) at amino acid position 285 to be replaced by a cysteine (C). Based on data from gnomAD, the G allele has an overall frequency of <0.001% (1/251486) total alleles studied. The highest observed frequency was 0.005% (1/18394) of East Asian alleles. Based on insufficient or conflicting evidence, the clinical significance of this alteration remains unclear.